The following is an entry in ClinVar:

NM_000361.3(THBD):c.1697T>G (p.Val566Gly)

Gene: THBD (thrombomodulin; minus strand). Cytogenetic location: 20p11.21.
Variant type: single nucleotide variant.
Coding change: c.1697T>G on transcript NM_000361.3 (MANE Select); coding-DNA position 1697, T replaced by G.
Protein change: p.Val566Gly; replaces valine 566 with glycine.
Molecular consequence: missense variant.
Genome position (GRCh38, 1-based): chr20:23,047,808, A>C on the plus strand (T>G on the coding strand, the complement: THBD is on the minus strand). VCF-style: chr20-23047808-A-C. GRCh37 (hg19) VCF-style: chr20-23028445-A-C.
Other names: short protein forms V566G.
Identifiers: ClinVar variation 1370926 (VCV001370926.10), dbSNP rs755593080, ClinGen allele CA9787510.
Genomic context (GRCh38, chr20:23,047,808, plus strand): 5'-ACGGAGCCAGGCTCCTGGACGGAGGCCGCTCAGAGTCTCTGCGGCGTCCGCTCGGTCCGC[A>C]CGTGCTGCAGCACTACCTCCTTGGAAGGGGCCGCGCACTTGTACTCCATCTTGGCCCTGG-3'
Protein context (NP_000352.1, residues 556-575): APSKEVVLQH[Val566Gly]RTERTPQRL

ClinVar aggregate classification (germline): Uncertain significance. Review status: criteria provided, multiple submitters, no conflicts (2 of 4 stars). 3 submissions from 3 submitters: Uncertain significance (3). Last evaluated 2025-09-22.

Conditions:
Thrombomodulin-related bleeding disorder (THPH12). Also called: Thrombophilia due to thrombomodulin defect. Identifiers: Orphanet 436169, MedGen C3280976, MONDO:0013775, OMIM 614486.

Allele frequency attached by ClinVar (database versions not stated): gnomAD exomes below 0.00001 and 0.00002; TOPMed 0.00001; ExAC 0.00002.
gnomAD v4.1: 6 of 1,596,568 alleles (0.00038%); highest among the groups gnomAD compares: Admixed American, 0.0069%; no homozygotes.

Submissions (3):

Genomenon, Inc
Classification: Uncertain significance for Thrombomodulin-related bleeding disorder. Last evaluated: 2025-09-22. Review status: criteria provided, single submitter. Criteria: Genomenon Sequence Variant Interpretation Standards - Updated. Collection method: curation. Allele origin: germline. Affected: no.
Comment: THBD p.Val566Gly (c.1697T>G) is a missense variant that changes the amino acid at residue 566 from Valine to Glycine. This variant has been reported in the published literature (PMID:34970867). It is absent or not present at a significant frequency in gnomAD. In conclusion, we classify THBD p.Val566Gly (c.1697T>G) as a variant of unknown significance.

Labcorp Genetics (formerly Invitae), Labcorp
Classification: Uncertain significance. Last evaluated: 2025-09-08. Review status: criteria provided, single submitter. Criteria: Invitae Variant Classification Sherloc (09022015). Collection method: clinical testing. Allele origin: germline.
Comment: This sequence change replaces valine, which is neutral and non-polar, with glycine, which is neutral and non-polar, at codon 566 of the THBD protein (p.Val566Gly). This variant is present in population databases (rs755593080, gnomAD 0.006%). This variant has not been reported in the literature in individuals affected with THBD-related conditions. ClinVar contains an entry for this variant (Variation ID: 1370926). An algorithm developed to predict the effect of missense changes on protein structure and function (PolyPhen-2) suggests that this variant is likely to be disruptive. In summary, the available evidence is currently insufficient to determine the role of this variant in disease. Therefore, it has been classified as a Variant of Uncertain Significance.

Blueprint Genetics
Classification: Uncertain significance. Last evaluated: 2023-06-26. Review status: criteria provided, single submitter. Criteria: ACMG Guidelines, 2015. Collection method: clinical testing. Allele origin: germline.

Literature cited by the submitters: PubMed 34970867 (cited by Genomenon, Inc).